The following is an entry in ClinVar:

ClinVar aggregate classification (germline): Uncertain significance (1 of 4 stars; one submission).

Conditions:
CHARGE syndrome (CHARGE). Also called: Hittner Hirsch Kreh syndrome; CHARGE ASSOCIATION--COLOBOMA, HEART ANOMALY, CHOANAL ATRESIA, RETARDATION, GENITAL AND EAR ANOMALIES; Coloboma, heart anomaly, choanal atresia, retardation, genital and ear anomalies; CHARGE association; Hall-Hittner syndrome. Identifiers: Orphanet 138, MedGen C0265354, MONDO:0008965.

Submission:

Labcorp Genetics (formerly Invitae), Labcorp
Classification: Uncertain significance for CHARGE syndrome. Last evaluated: 2022-07-12. Review status: criteria provided, single submitter. Criteria: Invitae Variant Classification Sherloc (09022015). Collection method: clinical testing. Allele origin: germline.
Comment: Advanced modeling of protein sequence and biophysical properties (such as structural, functional, and spatial information, amino acid conservation, physicochemical variation, residue mobility, and thermodynamic stability) performed at Invitae indicates that this missense variant is not expected to disrupt CHD7 protein function. This variant has not been reported in the literature in individuals affected with CHD7-related conditions. This variant is not present in population databases (gnomAD no frequency). This sequence change replaces lysine, which is basic and polar, with threonine, which is neutral and polar, at codon 651 of the CHD7 protein (p.Lys651Thr). In summary, the available evidence is currently insufficient to determine the role of this variant in disease. Therefore, it has been classified as a Variant of Uncertain Significance.

NM_017780.4(CHD7):c.1952A>C (p.Lys651Thr)

Genes: CHD7 (chromodomain helicase DNA binding protein 7; plus strand), LOC126860403 (CDK7 strongly-dependent group 2 enhancer GRCh37_chr8:61693034-61694233; plus strand). Cytogenetic location: 8q12.2.
Variant type: single nucleotide variant.
Coding change: c.1952A>C on transcript NM_017780.4 (MANE Select); coding-DNA position 1952, A replaced by C.
Protein change: p.Lys651Thr; replaces lysine 651 with threonine.
Molecular consequence: missense variant. On other transcripts: intron variant (1).
Genome position (GRCh38, 1-based): chr8:60,781,286, A>C. VCF-style: chr8-60781286-A-C. GRCh37 (hg19) VCF-style: chr8-61693845-A-C.
Other names: c.1716+236A>C (NM_001316690.1); short protein forms K651T.
Identifiers: ClinVar variation 2044112 (VCV002044112.4), dbSNP rs2487539720, ClinGen allele CA371313174.